The following is an entry in ClinVar:

ClinVar aggregate classification (germline): Uncertain significance (1 of 4 stars; one submission).

Submission:

Ambry Genetics
Classification: Uncertain significance. Last evaluated: 2023-09-30. Review status: criteria provided, single submitter. Criteria: Ambry Variant Classification Scheme 2023. Collection method: clinical testing. Allele origin: germline.
Comment: The p.A481G variant (also known as c.1442C>G), located in coding exon 14 of the NEBL gene, results from a C to G substitution at nucleotide position 1442. The alanine at codon 481 is replaced by glycine, an amino acid with similar properties. This amino acid position is conserved. In addition, this alteration is predicted to be tolerated by in silico analysis. Since supporting evidence is limited at this time, the clinical significance of this alteration remains unclear.

NM_006393.3(NEBL):c.1442C>G (p.Ala481Gly)

Gene: NEBL (nebulette; minus strand). Cytogenetic location: 10p12.31.
Variant type: single nucleotide variant.
Coding change: c.1442C>G on transcript NM_006393.3 (MANE Select); coding-DNA position 1442, C replaced by G.
Protein change: p.Ala481Gly; replaces alanine 481 with glycine.
Molecular consequence: missense variant. On other transcripts: intron variant (9).
Genome position (GRCh38, 1-based): chr10:20,835,520, G>C on the plus strand (C>G on the coding strand, the complement: NEBL is on the minus strand). VCF-style: chr10-20835520-G-C. GRCh37 (hg19) VCF-style: chr10-21124449-G-C.
Other names: c.250-22580C>G (NM_001377326.1, NM_001377327.1, NM_001377328.1); c.358-22580C>G (NM_213569.2, NM_001173484.2, NM_001377322.1); c.301-22580C>G (NM_001377324.1); c.292-22580C>G (NM_001377325.1); c.310-22580C>G (NM_001377323.1); short protein forms A481G.
Identifiers: ClinVar variation 3225556 (VCV003225556.1), dbSNP rs1237891829, ClinGen allele CA376098178.